The following is an entry in ClinVar:

NM_032043.3(BRIP1):c.211C>A (p.Pro71Thr)

Gene: BRIP1 (BRCA1 interacting DNA helicase 1; minus strand). Cytogenetic location: 17q23.2.
Variant type: single nucleotide variant.
Coding change: c.211C>A on transcript NM_032043.3 (MANE Select); coding-DNA position 211, C replaced by A.
Protein change: p.Pro71Thr; replaces proline 71 with threonine.
Molecular consequence: missense variant.
Genome position (GRCh38, 1-based): chr17:61,857,226, G>T on the plus strand (C>A on the coding strand, the complement: BRIP1 is on the minus strand). VCF-style: chr17-61857226-G-T. GRCh37 (hg19) VCF-style: chr17-59934587-G-T.
Other names: short protein forms P71T.
Identifiers: ClinVar variation 2950150 (VCV002950150.3), dbSNP rs876659680, ClinGen allele CA400485621.

ClinVar aggregate classification (germline): Uncertain significance (1 of 4 stars; one submission).

Conditions:
Fanconi anemia complementation group J. Also called: BRIP1-Related Fanconi Anemia. Identifiers: Orphanet 84, MedGen C1836860, MONDO:0012187, OMIM 609054.
Familial cancer of breast. Also called: BREAST CANCER, FAMILIAL; Hereditary breast cancer; hereditary breast carcinoma. Identifiers: Orphanet 227535, MedGen C0346153, MONDO:0016419, OMIM 114480. Disease mechanism: loss of function.

Submission:

Labcorp Genetics (formerly Invitae), Labcorp
Classification: Uncertain significance for Familial cancer of breast; Fanconi anemia complementation group J. Last evaluated: 2023-07-21. Review status: criteria provided, single submitter. Criteria: Invitae Variant Classification Sherloc (09022015). Collection method: clinical testing. Allele origin: germline.
Comment: This sequence change replaces proline, which is neutral and non-polar, with threonine, which is neutral and polar, at codon 71 of the BRIP1 protein (p.Pro71Thr). This variant is not present in population databases (gnomAD no frequency). This variant has not been reported in the literature in individuals affected with BRIP1-related conditions. Advanced modeling of protein sequence and biophysical properties (such as structural, functional, and spatial information, amino acid conservation, physicochemical variation, residue mobility, and thermodynamic stability) performed at Invitae indicates that this missense variant is not expected to disrupt BRIP1 protein function. In summary, the available evidence is currently insufficient to determine the role of this variant in disease. Therefore, it has been classified as a Variant of Uncertain Significance.